The following is an entry in ClinVar:

NM_006269.2(RP1):c.2314G>C (p.Gly772Arg)

Gene: RP1 (RP1 axonemal microtubule associated; plus strand). Cytogenetic location: 8q12.1.
Variant type: single nucleotide variant.
Coding change: c.2314G>C on transcript NM_006269.2 (MANE Select); coding-DNA position 2314, G replaced by C.
Protein change: p.Gly772Arg; replaces glycine 772 with arginine.
Molecular consequence: missense variant. On other transcripts: intron variant (1).
Genome position (GRCh38, 1-based): chr8:54,626,196, G>C. VCF-style: chr8-54626196-G-C. GRCh37 (hg19) VCF-style: chr8-55538756-G-C.
Other names: c.787+3908G>C (NM_001375654.1); short protein forms G772R.
Identifiers: ClinVar variation 1018930 (VCV001018930.9), dbSNP rs1806040688, ClinGen allele CA370993401.

ClinVar aggregate classification (germline): Uncertain significance (1 of 4 stars; one submission).

gnomAD v4.1: 1 of 1,610,326 alleles (0.000062%); highest among the groups gnomAD compares: Non-Finnish European, 0.000085%; no homozygotes.

Submission:

Labcorp Genetics (formerly Invitae), Labcorp
Classification: Uncertain significance. Last evaluated: 2021-01-16. Review status: criteria provided, single submitter. Criteria: Invitae Variant Classification Sherloc (09022015). Collection method: clinical testing. Allele origin: germline.
Comment: This sequence change replaces glycine with arginine at codon 772 of the RP1 protein (p.Gly772Arg). The glycine residue is moderately conserved and there is a moderate physicochemical difference between glycine and arginine. This variant is not present in population databases (ExAC no frequency). This variant has not been reported in the literature in individuals with RP1-related conditions. Algorithms developed to predict the effect of missense changes on protein structure and function output the following: SIFT: "Tolerated"; PolyPhen-2: "Benign"; Align-GVGD: "Class C0". The arginine amino acid residue is found in multiple mammalian species, suggesting that this missense change does not adversely affect protein function. These predictions have not been confirmed by published functional studies and their clinical significance is uncertain. In summary, the available evidence is currently insufficient to determine the role of this variant in disease. Therefore, it has been classified as a Variant of Uncertain Significance.